The following is an entry in ClinVar:

ClinVar aggregate classification (germline): Uncertain significance. Review status: criteria provided, multiple submitters, no conflicts (2 of 4 stars). 2 submissions from 2 submitters: Uncertain significance (2). Last evaluated 2026-01-15.

Conditions:
Hypertrophic cardiomyopathy 26. Also called: Cardiomyopathy, familial hypertrophic, 26. Identifiers: Orphanet 75249, MedGen C4310749, MONDO:0014883, OMIM 617047.
Myofibrillar myopathy 5. Also called: FILAMINOPATHY, AUTOSOMAL DOMINANT; Filaminopathy (type). Identifiers: Orphanet 171445, MedGen C1836050, MONDO:0012289, OMIM 609524.
Distal myopathy with posterior leg and anterior hand involvement. Also called: WILLIAMS DISTAL MYOPATHY. Identifiers: Orphanet 63273, MedGen C3279722, MONDO:0013550, OMIM 614065.
Primary dilated cardiomyopathy (DCM). Also called: Dilated Cardiomyopathy. Identifiers: Orphanet 217604, MedGen C0007193, MeSH D002311, MONDO:0005021, HP:0001644. Inheritance: Various modes of inheritance.

Submissions (2):

Victorian Clinical Genetics Services, Murdoch Childrens Research Institute
Classification: Uncertain significance for Primary dilated cardiomyopathy. Last evaluated: 2026-01-15. Review status: criteria provided, single submitter. Criteria: ACMG Guidelines, 2015. Collection method: clinical testing. Allele origin: germline. Affected: yes.
Comment: This variant is classified as VUS-3B. Evidence in support of pathogenic classification: Variant is absent from gnomAD (v2, v3 and v4); Missense variant predicted to be damaging by in silico tool(s) or highly conserved with a major amino acid change. Additional information: Variant is predicted to result in a missense amino acid change from Met to Arg; This variant is heterozygous; This gene is associated with autosomal dominant disease. Variants located throughout the gene that are predicted to result in nonsense-mediated decay (NMD) are enriched in dilated cardiomyopathy, whereas missense variants in the ROD2 domain are enriched in familial hypertrophic cardiomyopathy 26 and familial restrictive cardiomyopathy 5 (MIM#617047). Additionally, myofibrillar myopathy 5 (MIM#609524) is known to result from either missense variants in the ROD2 domain or truncating variants in the Ig-like domain 24, while missense variants in the actin-binding domain and NMD-predicted variants located in the Ig-like domain 15 and have been reported for distal myopathy 4 (MIM#614065) (PMID: 32112656); Alternative amino acid change(s) at the same position are present in gnomAD (highest allele count: v4: 1 heterozygote(s), 0 homozygote(s)); Previous evidence of pathogenicity for this variant is inconclusive. It has been classified as VUS by one clinical laboratory in ClinVar. In addition, this variant was reported as VUS for this family in the literature (PMIDs: 36252119, 37821546); Segregation evidence for this variant is inconclusive. The father and twin brother, who are both unaffected, are also heterozygous for this variant (PMID: 36252119); No published functional evidence has been identified for this variant; Other missense variant(s) comparable to the one identified in this case have inconclusive previous evidence for pathogenicity. Alternative changes p.(Met82Ile), p.(Met82Lys), p.(Met82Leu) and p.(Met82Thr) have been classified as VUS by clinical laboratories in ClinVar; Variant is located in the annotated calponin homology (CH) domain (DECIPHER); Loss of function and gain of function are known mechanisms of disease in this gene. Loss of function is the established mechanism of disease for variants in dilated cardiomyopathy (PMID: 32112656), familial hypertrophic cardiomyopathy 26 (MIM#617047), familial restrictive cardiomyopathy 5 (MIM#617047), familial arrhythmogenic right ventricular dysplasia (MIM#617047), and myofibrillar myopathy 5 (MIM#609524). In distal myopathy 4 (MIM#614065), NMD-predicted variants cause a loss of function, however missense variants have been shown to result in a toxic gain of function (PMID: 32112656); This variant has been shown to be paternally inherited (PMID: 36252119).

Labcorp Genetics (formerly Invitae), Labcorp
Classification: Uncertain significance for Distal myopathy with posterior leg and anterior hand involvement; Myofibrillar myopathy 5; Hypertrophic cardiomyopathy 26. Last evaluated: 2019-08-21. Review status: criteria provided, single submitter. Criteria: Invitae Variant Classification Sherloc (09022015). Collection method: clinical testing. Allele origin: germline.
Comment: In summary, the available evidence is currently insufficient to determine the role of this variant in disease. Therefore, it has been classified as a Variant of Uncertain Significance. Algorithms developed to predict the effect of sequence changes on RNA splicing suggest that this variant may create or strengthen a splice site, but this prediction has not been confirmed by published transcriptional studies. Algorithms developed to predict the effect of missense changes on protein structure and function are either unavailable or do not agree on the potential impact of this missense change (SIFT: "Deleterious"; PolyPhen-2: "Benign"; Align-GVGD: "Class C0"). This variant has not been reported in the literature in individuals with FLNC-related conditions. This variant is not present in population databases (ExAC no frequency). This sequence change replaces methionine with arginine at codon 82 of the FLNC protein (p.Met82Arg). The methionine residue is moderately conserved and there is a moderate physicochemical difference between methionine and arginine.

Literature cited by the submitters: PubMed 32112656 (cited by Victorian Clinical Genetics Services, Murdoch Childrens Research Institute); PubMed 37821546 (cited by Victorian Clinical Genetics Services, Murdoch Childrens Research Institute); PubMed 36252119 (cited by Victorian Clinical Genetics Services, Murdoch Childrens Research Institute).

NM_001458.5(FLNC):c.245T>G (p.Met82Arg)

Gene: FLNC (filamin C; plus strand). Cytogenetic location: 7q32.1.
Variant type: single nucleotide variant.
Coding change: c.245T>G on transcript NM_001458.5 (MANE Select); coding-DNA position 245, T replaced by G.
Protein change: p.Met82Arg; replaces methionine 82 with arginine.
Molecular consequence: missense variant.
Genome position (GRCh38, 1-based): chr7:128,830,882, T>G. VCF-style: chr7-128830882-T-G. GRCh37 (hg19) VCF-style: chr7-128470936-T-G.
Other names: c.245T>G, p.Met82Arg (NM_001127487.2); short protein forms M82R.
Identifiers: ClinVar variation 958139 (VCV000958139.11), dbSNP rs1807859917, ClinGen allele CA369216590.